The following is an entry in ClinVar:

ClinVar aggregate classification (germline): Pathogenic (1 of 4 stars; one submission).

Allele frequency attached by ClinVar (database versions not stated): gnomAD exomes 0.00002.
gnomAD v4.1: 29 of 1,613,480 alleles (0.0018%); highest among the groups gnomAD compares: Non-Finnish European, 0.0025%; no homozygotes.

Submission:

Labcorp Genetics (formerly Invitae), Labcorp
Classification: Pathogenic. Last evaluated: 2023-04-23. Review status: criteria provided, single submitter. Criteria: Invitae Variant Classification Sherloc (09022015). Collection method: clinical testing. Allele origin: germline.
Comment: For these reasons, this variant has been classified as Pathogenic. Algorithms developed to predict the effect of sequence changes on RNA splicing suggest that this variant may disrupt the consensus splice site. Disruption of this splice site has been observed in individual(s) with deafness (Invitae). In at least one individual the data is consistent with being in trans (on the opposite chromosome) from a pathogenic variant. This variant is not present in population databases (gnomAD no frequency). This sequence change affects a donor splice site in intron 28 of the MYO15A gene. It is expected to disrupt RNA splicing. Variants that disrupt the donor or acceptor splice site typically lead to a loss of protein function (PMID: 16199547), and loss-of-function variants in MYO15A are known to be pathogenic (PMID: 17546645).

Literature cited by the submitters: PubMed 16199547; PubMed 17546645.

NM_016239.4(MYO15A):c.6177+2T>A

Gene: MYO15A (myosin XVA; plus strand). Cytogenetic location: 17p11.2.
Variant type: single nucleotide variant.
Coding change: c.6177+2T>A on transcript NM_016239.4 (MANE Select); the canonical splice donor site of the intron after coding-DNA position 6177, T replaced by A.
Molecular consequence: splice donor variant.
Genome position (GRCh38, 1-based): chr17:18,144,002, T>A. VCF-style: chr17-18144002-T-A. GRCh37 (hg19) VCF-style: chr17-18047316-T-A.
Identifiers: ClinVar variation 2803218 (VCV002803218.3), dbSNP rs2545266943, ClinGen allele CA398606023.